The following is an entry in ClinVar:

NM_198947.4(FAM111B):c.1289A>C (p.Gln430Pro)

Gene: FAM111B (FAM111 trypsin like peptidase B; plus strand). Cytogenetic location: 11q12.1.
Variant type: single nucleotide variant.
Coding change: c.1289A>C on transcript NM_198947.4 (MANE Select); coding-DNA position 1289, A replaced by C.
Protein change: p.Gln430Pro; replaces glutamine 430 with proline.
Molecular consequence: missense variant.
Genome position (GRCh38, 1-based): chr11:59,125,386, A>C. VCF-style: chr11-59125386-A-C. GRCh37 (hg19) VCF-style: chr11-58892859-A-C.
Other names: c.1199A>C, p.Gln400Pro (NM_001142703.2, NM_001142704.2); short protein forms Q430P, Q400P.
Identifiers: ClinVar variation 265954 (VCV000265954.5), dbSNP rs551644836, ClinGen allele CA10588900.

ClinVar aggregate classification (germline): not provided (0 of 4 stars; one submission).

Conditions:
Hereditary sclerosing poikiloderma with tendon and pulmonary involvement. Also called: Poikiloderma, hereditary fibrosing, with tendon contractures, myopathy, and pulmonary fibrosis. Identifiers: Orphanet 221043, MedGen C3810325, MONDO:0014310, OMIM 615704.

Submission:

GeneReviews
No classification provided. Condition: Hereditary sclerosing poikiloderma with tendon and pulmonary involvement. Review status: no classification provided. Collection method: literature only. Allele origin: germline.
Comment: May be associated with less severe extracutaneous phenotype. Further studies are needed.

Literature cited by the submitters: PubMed 17034542; PubMed 24268661; PubMed 26471370; PubMed 26495788; PubMed 27406236; PubMed 27748098.